The following is an entry in ClinVar:

NM_001171.6(ABCC6):c.2909T>A (p.Leu970Gln)

Gene: ABCC6 (ATP binding cassette subfamily C member 6; minus strand). Cytogenetic location: 16p13.11.
Variant type: single nucleotide variant.
Coding change: c.2909T>A on transcript NM_001171.6 (MANE Select); coding-DNA position 2909, T replaced by A.
Protein change: p.Leu970Gln; replaces leucine 970 with glutamine.
Molecular consequence: missense variant. On other transcripts: non-coding transcript variant (1).
Genome position (GRCh38, 1-based): chr16:16,169,732, A>T on the plus strand (T>A on the coding strand, the complement: ABCC6 is on the minus strand). VCF-style: chr16-16169732-A-T. GRCh37 (hg19) VCF-style: chr16-16263589-A-T.
Other names: c.2567T>A, p.Leu856Gln (NM_001351800.1); short protein forms L856Q, L970Q.
Identifiers: ClinVar variation 1441160 (VCV001441160.7), dbSNP rs776512349, ClinGen allele CA7925752.

ClinVar aggregate classification (germline): Uncertain significance. Review status: criteria provided, multiple submitters, no conflicts (2 of 4 stars). 2 submissions from 2 submitters: Uncertain significance (2). Last evaluated 2024-06-20.

Conditions:
Autosomal recessive inherited pseudoxanthoma elasticum (PXE). Identifiers: Orphanet 758, MedGen CN032334, MONDO:0009925, OMIM 264800.
Pseudoxanthoma elasticum, forme fruste. Also called: PSEUDOXANTHOMA ELASTICUM, HETEROZYGOUS; Pseudoxanthoma Elasticum, Incomplete. Identifiers: Orphanet 758, MedGen C1867450, MONDO:0008333, OMIM 177850.
Arterial calcification, generalized, of infancy, 2. Identifiers: Orphanet 51608, MedGen C3276161, MONDO:0013768, OMIM 614473.

Allele frequency attached by ClinVar (database versions not stated): ExAC 0.00001; gnomAD 0.00001; gnomAD exomes 0.00001; TOPMed 0.00001.
gnomAD v4.1: 2 of 1,608,956 alleles (0.00012%); highest among the groups gnomAD compares: African/African-American, 0.0013%; no homozygotes.

Submissions (2):

Fulgent Genetics
Classification: Uncertain significance for Pseudoxanthoma elasticum, forme fruste; Autosomal recessive inherited pseudoxanthoma elasticum; Arterial calcification, generalized, of infancy, 2. Last evaluated: 2024-06-20. Review status: criteria provided, single submitter. Criteria: ACMG Guidelines, 2015. Collection method: clinical testing. Allele origin: germline.

Labcorp Genetics (formerly Invitae), Labcorp
Classification: Uncertain significance. Last evaluated: 2021-07-31. Review status: criteria provided, single submitter. Criteria: Invitae Variant Classification Sherloc (09022015). Collection method: clinical testing. Allele origin: germline.
Comment: This sequence change replaces leucine with glutamine at codon 970 of the ABCC6 protein (p.Leu970Gln). The leucine residue is moderately conserved and there is a moderate physicochemical difference between leucine and glutamine. This variant is present in population databases (rs776512349, ExAC 0.002%). This variant has not been reported in the literature in individuals affected with ABCC6-related conditions. Algorithms developed to predict the effect of missense changes on protein structure and function (SIFT, PolyPhen-2, Align-GVGD) all suggest that this variant is likely to be tolerated. In summary, the available evidence is currently insufficient to determine the role of this variant in disease. Therefore, it has been classified as a Variant of Uncertain Significance.